The following is an entry in ClinVar:

ClinVar aggregate classification (germline): Uncertain significance (1 of 4 stars; one submission).

gnomAD v4.1: 11 of 1,613,964 alleles (0.00068%); highest among the groups gnomAD compares: African/African-American, 0.0067%; no homozygotes.

Submission:

Labcorp Genetics (formerly Invitae), Labcorp
Classification: Uncertain significance. Last evaluated: 2025-03-03. Review status: criteria provided, single submitter. Criteria: Invitae Variant Classification Sherloc (09022015). Collection method: clinical testing. Allele origin: germline.
Comment: This sequence change replaces alanine, which is neutral and non-polar, with threonine, which is neutral and polar, at codon 983 of the TRRAP protein (p.Ala983Thr). This variant is present in population databases (no rsID available, gnomAD 0.01%). This variant has not been reported in the literature in individuals affected with TRRAP-related conditions. Invitae Evidence Modeling of protein sequence and biophysical properties (such as structural, functional, and spatial information, amino acid conservation, physicochemical variation, residue mobility, and thermodynamic stability) indicates that this missense variant is not expected to disrupt TRRAP protein function with a negative predictive value of 80%. In summary, the available evidence is currently insufficient to determine the role of this variant in disease. Therefore, it has been classified as a Variant of Uncertain Significance.

NM_001375524.1(TRRAP):c.2947G>A (p.Ala983Thr)

Gene: TRRAP (transformation/transcription domain associated protein; plus strand). Cytogenetic location: 7q22.1.
Variant type: single nucleotide variant.
Coding change: c.2947G>A on transcript NM_001375524.1 (MANE Select); coding-DNA position 2947, G replaced by A.
Protein change: p.Ala983Thr; replaces alanine 983 with threonine.
Molecular consequence: missense variant.
Genome position (GRCh38, 1-based): chr7:98,925,235, G>A. VCF-style: chr7-98925235-G-A. GRCh37 (hg19) VCF-style: chr7-98522858-G-A.
Other names: c.2947G>A, p.Ala983Thr (NM_001244580.2, NM_003496.4); short protein forms A983T.
Identifiers: ClinVar variation 4742695 (VCV004742695.1).
Genomic context (GRCh38, chr7:98,925,235, plus strand): 5'-GCGTGGGAAGTGATCAAATGCTTCCTGGTGGCCATGATGAGCCTGGAGGACAACAAGCAC[G>A]CACTCTACCAGCTCCTGGCACACCCCAAGTATGTCGGCCACTTCCTTCTGTGTGGTTGGG-3'
Protein context (NP_001362453.1, residues 973-993): AMMSLEDNKH[Ala983Thr]LYQLLAHPNF